The following is an entry in ClinVar:

ClinVar aggregate classification (germline): Uncertain significance. Review status: criteria provided, multiple submitters, no conflicts (2 of 4 stars). 2 submissions from 2 submitters: Uncertain significance (2). Last evaluated 2024-10-21.

Conditions:
Inborn genetic diseases. Identifiers: MedGen C0950123, MeSH D030342.

Allele frequency attached by ClinVar (database versions not stated): gnomAD 0.00001; TOPMed 0.00001.
gnomAD v4.1: 1 of 1,613,814 alleles (0.000062%); highest among the groups gnomAD compares: African/African-American, 0.0013%; no homozygotes.

Submissions (2):

Ambry Genetics
Classification: Uncertain significance for Inborn genetic diseases. Last evaluated: 2024-10-21. Review status: criteria provided, single submitter. Criteria: Ambry Variant Classification Scheme 2023. Collection method: clinical testing. Allele origin: germline.

Labcorp Genetics (formerly Invitae), Labcorp
Classification: Uncertain significance. Last evaluated: 2022-11-08. Review status: criteria provided, single submitter. Criteria: Invitae Variant Classification Sherloc (09022015). Collection method: clinical testing. Allele origin: germline.
Comment: In summary, the available evidence is currently insufficient to determine the role of this variant in disease. Therefore, it has been classified as a Variant of Uncertain Significance. Algorithms developed to predict the effect of missense changes on protein structure and function are either unavailable or do not agree on the potential impact of this missense change (SIFT: "Tolerated"; PolyPhen-2: "Not Available"; Align-GVGD: "Class C0"). ClinVar contains an entry for this variant (Variation ID: 1365187). This variant has not been reported in the literature in individuals affected with PTPN23-related conditions. This variant is present in population databases (no rsID available, gnomAD 0.01%). This sequence change replaces threonine, which is neutral and polar, with serine, which is neutral and polar, at codon 301 of the PTPN23 protein (p.Thr301Ser).

NM_015466.4(PTPN23):c.901A>T (p.Thr301Ser)

Gene: PTPN23 (protein tyrosine phosphatase non-receptor type 23; plus strand). Cytogenetic location: 3p21.31.
Variant type: single nucleotide variant.
Coding change: c.901A>T on transcript NM_015466.4 (MANE Select); coding-DNA position 901, A replaced by T.
Protein change: p.Thr301Ser; replaces threonine 301 with serine.
Molecular consequence: missense variant.
Genome position (GRCh38, 1-based): chr3:47,407,345, A>T. VCF-style: chr3-47407345-A-T. GRCh37 (hg19) VCF-style: chr3-47448835-A-T.
Other names: c.901A>T (NM_015466.2); c.523A>T, p.Thr175Ser (NM_001304482.2); short protein forms T175S, T301S.
Identifiers: ClinVar variation 1365187 (VCV001365187.9), dbSNP rs1036806809, ClinGen allele CA73873520.
Genomic context (GRCh38, chr3:47,407,345, plus strand): 5'-CCACCCCTGTCCCTAACCCCACAGGGCCAGCCTGACACTGTGCAAGACGCGCTTCGCTTC[A>T]CTATGGATGTCATTGGGGGAAAGTGAGTCTGTGGGGGTGGCCCTGGTTCCCTCTTTTTGT-3'
Protein context (NP_056281.1, residues 291-311): PDTVQDALRF[Thr301Ser]MDVIGGKYNS